The following is an entry in ClinVar:

ClinVar aggregate classification (germline): Pathogenic. Review status: criteria provided, multiple submitters, no conflicts (2 of 4 stars). 3 submissions from 3 submitters: Pathogenic (3). Last evaluated 2024-03-04.

Conditions:
CHM-related disorders.

Submissions (3):

Labcorp Genetics (formerly Invitae), Labcorp
Classification: Pathogenic. Last evaluated: 2024-03-04. Review status: criteria provided, single submitter. Criteria: Invitae Variant Classification Sherloc (09022015). Collection method: clinical testing. Allele origin: germline.
Comment: This sequence change creates a premature translational stop signal (p.Gln448*) in the CHM gene. It is expected to result in an absent or disrupted protein product. Loss-of-function variants in CHM are known to be pathogenic (PMID: 9067750, 23811034). This variant is not present in population databases (gnomAD no frequency). This premature translational stop signal has been observed in individual(s) with choroideremia (PMID: 31922496). ClinVar contains an entry for this variant (Variation ID: 372323). For these reasons, this variant has been classified as Pathogenic.

Blueprint Genetics
Classification: Pathogenic for CHM-related disorders. Last evaluated: 2022-11-06. Review status: criteria provided, single submitter. Criteria: ACMG Guidelines, 2015. Collection method: clinical testing. Allele origin: germline. Affected: yes. Observed: 1 variant allele.

GeneDx
Classification: Pathogenic. Last evaluated: 2015-11-19. Review status: criteria provided, single submitter. Criteria: GeneDx Variant Classification (06012015). Collection method: clinical testing. Allele origin: germline. Affected: yes.
Comment: The Q448X pathogenic variant in the CHM gene has not been reported previously to our knowledge. The Q448X variant was not observed in approximately 6,500 individuals of European and African American ancestry in the NHLBI Exome Sequencing Project, indicating it is not a common benign variant in these populations. Q448X is predicted to cause loss of normal protein function either through protein truncation or nonsense-mediated mRNA decay.

Literature cited by the submitters: PubMed 9067750 (cited by Labcorp Genetics (formerly Invitae), Labcorp); PubMed 23811034 (cited by Labcorp Genetics (formerly Invitae), Labcorp); PubMed 31922496 (cited by Labcorp Genetics (formerly Invitae), Labcorp).

NM_000390.4(CHM):c.1342C>T (p.Gln448Ter)

Gene: CHM (CHM Rab escort protein; minus strand). Cytogenetic location: Xq21.2.
Variant type: single nucleotide variant.
Coding change: c.1342C>T on transcript NM_000390.4 (MANE Select); coding-DNA position 1342, C replaced by T.
Protein change: p.Gln448Ter; replaces glutamine 448 with a stop codon.
Molecular consequence: nonsense.
Genome position (GRCh38, 1-based): chrX:85,901,091, G>A on the plus strand (C>T on the coding strand, the complement: CHM is on the minus strand). VCF-style: chrX-85901091-G-A. GRCh37 (hg19) VCF-style: chrX-85156096-G-A.
Other names: c.898C>T, p.Gln300Ter (NM_001320959.1, NM_001362517.1, NM_001362518.2 and 1 more transcripts); c.1342C>T (LRG_699t1); short protein forms Q448*, Q300*.
Identifiers: ClinVar variation 372323 (VCV000372323.11), dbSNP rs1057517716, ClinGen allele CA16043334.